The following is an entry in ClinVar:

NM_014625.4(NPHS2):c.336CAT[2] (p.Ile114del)

Gene: NPHS2 (NPHS2 stomatin family member, podocin; minus strand). Cytogenetic location: 1q25.2.
Variant type: Microsatellite.
Coding change: c.336CAT[2] on transcript NM_014625.4 (MANE Select); two copies in a row of the 3-base unit CAT starting at c.336; the reference has three copies in a row; one copy, 3 bases deleted; also written c.342_344del.
Protein change: p.Ile114del; deletes isoleucine 114.
Molecular consequence: inframe deletion.
Genome position (GRCh38, 1-based): chr1:179,564,724-179,564,726, ATG deleted on the plus strand (CAT on the coding strand, the reverse complement: NPHS2 is on the minus strand); deleting any 3 consecutive bases within chr1:179,564,724-179,564,733 gives the same sequence; the position shown is the placement nearest the transcript's 3' end. VCF-style (leftmost placement, unchanged base first): chr1-179564723-CATG-C. GRCh37 (hg19) VCF-style: chr1-179533858-CATG-C.
Other names: c.336CAT[2], p.Ile114del (NM_001297575.2); c.342_344del (NM_014625.4); short protein forms I114del.
Identifiers: ClinVar variation 2687477 (VCV002687477.2), dbSNP rs2526313875, ClinGen allele CA2697554703.

ClinVar aggregate classification (germline): Uncertain significance (1 of 4 stars; one submission).

Conditions:
Nephrotic syndrome, type 2 (NPHS2). Also called: NEPHROTIC SYNDROME, STEROID-RESISTANT, AUTOSOMAL RECESSIVE. Identifiers: Orphanet 656, MedGen C1868672, MONDO:0010974, OMIM 600995.

Submission:

Servicio Canario de Salud, Hospital Universitario Nuestra Sra. de Candelaria
Classification: Uncertain significance for Nephrotic syndrome, type 2. Last evaluated: 2023-11-23. Review status: criteria provided, single submitter. Criteria: ACMG Guidelines, 2015. Collection method: clinical testing. Allele origin: germline. Inheritance: Autosomal recessive inheritance. Affected: yes. Observed: 1 compound heterozygote.
Comment: This variant is not present in population databases (gnomAD no frequency). ClinVar doesn´t contain entries for this variant and this variant has never been reported in NPHS2 related-disorders. In silico analysis (CADD, Revel) are not conclusive about the effect on protein structure/function, and this prediction has not been confirmed by functional studies. In summary, the available evidence for c.342_344del p.(Ile114del) NPHS2 variant is currently insufficient to determine the role of this variant in disease. Therefore, it has been classified as a Variant of Uncertain Significance.